The following is an entry in ClinVar:

ClinVar aggregate classification (germline): Uncertain significance (1 of 4 stars; one submission).

Conditions:
Intellectual developmental disorder 62. Also called: INTELLECTUAL DEVELOPMENTAL DISORDER, AUTOSOMAL DOMINANT 62; MENTAL RETARDATION, AUTOSOMAL DOMINANT 62. Identifiers: MedGen C5394083, MONDO:0032919, OMIM 618793.

Submission:

3billion
Classification: Uncertain significance for Intellectual developmental disorder 62. Last evaluated: 2025-02-22. Review status: criteria provided, single submitter. Criteria: ACMG Guidelines, 2015. Collection method: clinical testing. Allele origin: germline. Affected: yes.
Comment: The variant is not observed in the gnomAD v4.1.0 dataset. Predicted Consequence/Location: Frameshift: predicted to result in a loss or disruption of normal protein function through protein truncation. The predicted truncated protein may be shortened by less than 10%. Therefore, this variant is classified as VUS according to the recommendation of ACMG/AMP guideline.

NM_001321075.3(DLG4):c.2052del (p.Phe684fs)

Gene: DLG4 (discs large MAGUK scaffold protein 4; minus strand). Cytogenetic location: 17p13.1.
Variant type: Deletion.
Coding change: c.2052del on transcript NM_001321075.3 (MANE Select); coding-DNA position 2052, one base deleted (C; older notation c.2052delC).
Protein change: p.Phe684fs; shifts the reading frame from phenylalanine 684.
Molecular consequence: frameshift variant. On other transcripts: non-coding transcript variant (1).
Genome position (GRCh38, 1-based): chr17:7,191,283, G deleted on the plus strand (C on the coding strand, the reverse complement: DLG4 is on the minus strand). VCF-style (leftmost placement, unchanged base first): chr17-7191282-TG-T. GRCh37 (hg19) VCF-style: chr17-7094601-TG-T.
Other names: c.2043del, p.Phe681fs (NM_001128827.4); c.2172del, p.Phe724fs (NM_001321074.1); c.1872del, p.Phe624fs (NM_001321076.3, NM_001321077.3); c.2181del, p.Phe727fs (NM_001365.5); c.1971del, p.Phe657fs (NM_001369566.3); short protein forms F624fs, F657fs, F681fs, F684fs, F724fs, F727fs.
Identifiers: ClinVar variation 4291759 (VCV004291759.1).
Genomic context (GRCh38, chr17:7,191,282, plus strand): 5'-GCAAGGGCACCCTACATGCTGGCAACAGCCTTGCTGTGGCCTCACCTGAGAAGCACTCTG[TG>T]AACTCCTGCTCCAGCTTGGTGGCTCTGTCGAAGGCTTTGCGGGCTTGCTCCTCTGTGATC-3'